The following is an entry in ClinVar:

ClinVar aggregate classification (germline): Likely benign (1 of 4 stars; one submission).

Allele frequency attached by ClinVar (database versions not stated): gnomAD exomes below 0.00001; ExAC 0.00001.
gnomAD v4.1: 3 of 1,614,114 alleles (0.00019%); highest among the groups gnomAD compares: Non-Finnish European, 0.000085%; no homozygotes.

Submission:

GeneDx
Classification: Likely benign. Last evaluated: 2017-07-03. Review status: criteria provided, single submitter. Criteria: GeneDx Variant Classification (06012015). Collection method: clinical testing. Allele origin: germline. Affected: yes.
Comment: This variant is considered likely benign or benign based on one or more of the following criteria: it is a conservative change, it occurs at a poorly conserved position in the protein, it is predicted to be benign by multiple in silico algorithms, and/or has population frequency not consistent with disease.

NM_001267550.2(TTN):c.1748C>T (p.Ala583Val)

Gene: TTN (titin; minus strand). Cytogenetic location: 2q31.2.
Variant type: single nucleotide variant.
Coding change: c.1748C>T on transcript NM_001267550.2 (MANE Select); coding-DNA position 1748, C replaced by T.
Protein change: p.Ala583Val; replaces alanine 583 with valine.
Molecular consequence: missense variant. On other transcripts: intron variant (3).
Genome position (GRCh38, 1-based): chr2:178,790,760, G>A on the plus strand (C>T on the coding strand, the complement: TTN is on the minus strand). VCF-style: chr2-178790760-G-A. GRCh37 (hg19) VCF-style: chr2-179655487-G-A.
Other names: c.1748C>T, p.Ala583Val (NM_001256850.1, NM_133378.4, NM_133379.5); c.1663-645C>T (NM_003319.4, NM_133437.4, NM_133432.3); short protein forms A583V.
Identifiers: ClinVar variation 510721 (VCV000510721.1), dbSNP rs772836198, ClinGen allele CA2005980.